The following is an entry in ClinVar:

ClinVar aggregate classification (germline): Benign/Likely benign. Review status: criteria provided, multiple submitters, no conflicts (2 of 4 stars). 3 submissions from 3 submitters: Benign (1); Likely benign (1). 1 of the submissions does not count toward it. Last evaluated 2026-08-01.

Conditions:
TBC1D7-related disorder. Also called: TBC1D7-related condition.

Allele frequency attached by ClinVar (database versions not stated): ExAC 0.00035; 1000 Genomes Project 0.00080; TOPMed 0.00090; 1000 Genomes Project 30x 0.00094; gnomAD 0.00094; ESP Exome Variant Server 0.00123.
gnomAD v4.1: 255 of 1,613,512 alleles (0.016%); highest among the groups gnomAD compares: African/African-American, 0.3%; 1 homozygote.

Submissions (3):

CeGaT Center for Human Genetics Tuebingen
Classification: Likely benign. Last evaluated: 2026-08-01. Review status: criteria provided, single submitter. Criteria: CeGaT Center For Human Genetics Tuebingen Variant Classification Criteria Version 2. Collection method: clinical testing. Allele origin: germline. Affected: yes. Observed: 1 variant allele.
Comment: TBC1D7: BP4, BP7

Labcorp Genetics (formerly Invitae), Labcorp
Classification: Benign. Last evaluated: 2025-06-12. Review status: criteria provided, single submitter. Criteria: Invitae Variant Classification Sherloc (09022015). Collection method: clinical testing. Allele origin: germline.

PreventionGenetics, part of Exact Sciences
Classification: Likely benign for TBC1D7-related condition. Last evaluated: 2020-02-17. Review status: no assertion criteria provided. Collection method: clinical testing. Allele origin: germline. Not counted in ClinVar's aggregate classification.
Comment: This variant is classified as likely benign based on ACMG/AMP sequence variant interpretation guidelines (Richards et al. 2015 PMID: 25741868, with internal and published modifications).

NM_016495.6(TBC1D7):c.171A>G (p.Ala57=)

Genes: TBC1D7 (TBC1 domain family member 7; minus strand), TBC1D7-LOC100130357 (TBC1D7-LOC100130357 readthrough; minus strand). Cytogenetic location: 6p24.1.
Variant type: single nucleotide variant.
Coding change: c.171A>G on transcript NM_016495.6 (MANE Select); coding-DNA position 171, A replaced by G.
Protein change: p.Ala57=; no amino-acid change (alanine 57 retained).
Molecular consequence: synonymous variant. On other transcripts: non-coding transcript variant (1), intron variant (2).
Genome position (GRCh38, 1-based): chr6:13,325,116, T>C on the plus strand (A>G on the coding strand, the complement: TBC1D7 is on the minus strand). VCF-style: chr6-13325116-T-C. GRCh37 (hg19) VCF-style: chr6-13325348-T-C.
Other names: c.171A>G, p.Ala57= (NM_001318809.2, NM_001143964.4, NM_001143965.4 and 2 more transcripts); c.112+1671A>G (NM_001143966.4, NM_001318806.2).
Identifiers: ClinVar variation 2059206 (VCV002059206.7), dbSNP rs149256748, ClinGen allele CA3639878.